The following is an entry in ClinVar:

ClinVar aggregate classification (germline): Uncertain significance (1 of 4 stars; one submission).

gnomAD v4.1: 3 of 1,613,984 alleles (0.00019%); highest among the groups gnomAD compares: Admixed American, 0.005%; no homozygotes.

Submission:

GeneDx
Classification: Uncertain significance. Last evaluated: 2025-04-18. Review status: criteria provided, single submitter. Criteria: GeneDx Variant Classification Process June 2021. Collection method: clinical testing. Allele origin: germline. Affected: yes.
Comment: Not observed at significant frequency in large population cohorts (gnomAD); In silico analysis supports that this missense variant has a deleterious effect on protein structure/function; Has not been previously published as pathogenic or benign to our knowledge

NM_004415.4(DSP):c.1160C>G (p.Ser387Cys)

Gene: DSP (desmoplakin; plus strand). Cytogenetic location: 6p24.3.
Variant type: single nucleotide variant.
Coding change: c.1160C>G on transcript NM_004415.4 (MANE Select); coding-DNA position 1160, C replaced by G.
Protein change: p.Ser387Cys; replaces serine 387 with cysteine.
Molecular consequence: missense variant.
Genome position (GRCh38, 1-based): chr6:7,567,800, C>G. VCF-style: chr6-7567800-C-G. GRCh37 (hg19) VCF-style: chr6-7568033-C-G.
Other names: c.1160C>G, p.Ser387Cys (NM_001008844.3, NM_001319034.2, NM_001406591.1); short protein forms S387C.
Identifiers: ClinVar variation 4527160 (VCV004527160.1).